The following is an entry in ClinVar:

NM_032119.4(ADGRV1):c.17152A>G (p.Asn5718Asp)

Gene: ADGRV1 (adhesion G protein-coupled receptor V1; plus strand). Cytogenetic location: 5q14.3.
Variant type: single nucleotide variant.
Coding change: c.17152A>G on transcript NM_032119.4 (MANE Select); coding-DNA position 17152, A replaced by G.
Protein change: p.Asn5718Asp; replaces asparagine 5718 with aspartic acid.
Molecular consequence: missense variant. On other transcripts: non-coding transcript variant (1).
Genome position (GRCh38, 1-based): chr5:90,848,769, A>G. VCF-style: chr5-90848769-A-G. GRCh37 (hg19) VCF-style: chr5-90144586-A-G.
Other names: short protein forms N5718D.
Identifiers: ClinVar variation 1368841 (VCV001368841.8), dbSNP rs2150388670, ClinGen allele CA360429715.

ClinVar aggregate classification (germline): Uncertain significance (1 of 4 stars; one submission).

gnomAD v4.1: 1 of 1,587,612 alleles (0.000063%); highest among the groups gnomAD compares: African/African-American, 0.0014%; no homozygotes.

Submission:

Labcorp Genetics (formerly Invitae), Labcorp
Classification: Uncertain significance. Last evaluated: 2021-02-02. Review status: criteria provided, single submitter. Criteria: Invitae Variant Classification Sherloc (09022015). Collection method: clinical testing. Allele origin: germline.
Comment: In summary, the available evidence is currently insufficient to determine the role of this variant in disease. Therefore, it has been classified as a Variant of Uncertain Significance. Algorithms developed to predict the effect of missense changes on protein structure and function output the following: SIFT: "Tolerated"; PolyPhen-2: "Possibly Damaging"; Align-GVGD: "Class C0". The aspartic acid amino acid residue is found in multiple mammalian species, suggesting that this missense change does not adversely affect protein function. These predictions have not been confirmed by published functional studies and their clinical significance is uncertain. This variant has not been reported in the literature in individuals with ADGRV1-related conditions. This variant is not present in population databases (ExAC no frequency). This sequence change replaces asparagine with aspartic acid at codon 5718 of the ADGRV1 protein (p.Asn5718Asp). The asparagine residue is weakly conserved and there is a small physicochemical difference between asparagine and aspartic acid.